The following is an entry in ClinVar:

NM_020320.5(RARS2):c.879-6T>C

Gene: RARS2 (arginyl-tRNA synthetase 2, mitochondrial; minus strand). Cytogenetic location: 6q15.
Variant type: single nucleotide variant.
Coding change: c.879-6T>C on transcript NM_020320.5 (MANE Select); 6 bases into the intron before coding-DNA position 879, T replaced by C.
Molecular consequence: intron variant. On other transcripts: non-coding transcript variant (1).
Genome position (GRCh38, 1-based): chr6:87,524,658, A>G on the plus strand (T>C on the coding strand, the complement: RARS2 is on the minus strand). VCF-style: chr6-87524658-A-G. GRCh37 (hg19) VCF-style: chr6-88234376-A-G.
Other names: c.879-6T>C (NM_020320.4, NM_001350505.2); c.354-6T>C (NM_001350509.2, NM_001318785.2, NM_001350506.2 and 4 more transcripts).
Identifiers: ClinVar variation 358234 (VCV000358234.20), dbSNP rs117516147, ClinGen allele CA3916472.

ClinVar aggregate classification (germline): Benign/Likely benign. Review status: criteria provided, multiple submitters, no conflicts (2 of 4 stars). 6 submissions from 6 submitters: Benign (3); Likely benign (1). 2 of the submissions do not count toward it. Last evaluated 2026-01-27.

Conditions:
RARS2-related disorder. Also called: RARS2-related condition.
Pontocerebellar hypoplasia type 6 (PCH6). Identifiers: Orphanet 166073, MedGen C1969084, MONDO:0012683, OMIM 611523.

Allele frequency attached by ClinVar (database versions not stated): ESP Exome Variant Server 0.00015; gnomAD 0.00036 and 0.00056; gnomAD exomes 0.00064 and 0.00139; TOPMed 0.00071; ExAC 0.00138; 1000 Genomes Project 30x 0.00187; 1000 Genomes Project 0.00220.
gnomAD v4.1: 1,051 of 1,594,140 alleles (0.066%); highest among the groups gnomAD compares: East Asian, 1.9%; 11 homozygotes.

Submissions (6):

Labcorp Genetics (formerly Invitae), Labcorp
Classification: Benign. Last evaluated: 2026-01-27. Review status: criteria provided, single submitter. Criteria: Invitae Variant Classification Sherloc (09022015). Collection method: clinical testing. Allele origin: germline.

Blueprint Genetics
Classification: Likely benign. Last evaluated: 2024-11-26. Review status: criteria provided, single submitter. Criteria: ACMG Guidelines, 2015. Collection method: clinical testing. Allele origin: germline.

GeneDx
Classification: Benign. Last evaluated: 2019-05-20. Review status: criteria provided, single submitter. Criteria: GeneDx Variant Classification Process June 2021. Collection method: clinical testing. Allele origin: germline. Affected: yes.

Illumina Laboratory Services, Illumina
Classification: Benign for Pontocerebellar hypoplasia type 6. Last evaluated: 2018-01-13. Review status: criteria provided, single submitter. Criteria: ICSL Variant Classification Criteria 13 December 2019. Collection method: clinical testing. Allele origin: germline.
Comment: This variant was observed in the ICSL laboratory as part of a predisposition screen in an ostensibly healthy population. It had not been previously curated by ICSL or reported in the Human Gene Mutation Database (HGMD: prior to June 1st, 2018), and was therefore a candidate for classification through an automated scoring system. Utilizing variant allele frequency, disease prevalence and penetrance estimates, and inheritance mode, an automated score was calculated to assess if this variant is too frequent to cause the disease. Based on the score and internal cut-off values, a variant classified as benign is not then subjected to further curation. The score for this variant resulted in a classification of benign for this disease.

Natera, Inc.
Classification: Benign for Pontocerebellar hypoplasia, type 6. Last evaluated: 2019-11-11. Review status: no assertion criteria provided. Collection method: clinical testing. Allele origin: germline. Not counted in ClinVar's aggregate classification.

PreventionGenetics, part of Exact Sciences
Classification: Benign for RARS2-related condition. Last evaluated: 2019-08-09. Review status: no assertion criteria provided. Collection method: clinical testing. Allele origin: germline. Not counted in ClinVar's aggregate classification.
Comment: This variant is classified as benign based on ACMG/AMP sequence variant interpretation guidelines (Richards et al. 2015 PMID: 25741868, with internal and published modifications).